The following is an entry in ClinVar:

ClinVar aggregate classification (germline): Likely benign. Review status: criteria provided, single submitter (1 of 4 stars). 2 submissions from 2 submitters: Likely benign (1). 1 of the submissions does not count toward it. Last evaluated 2017-03-19.

Conditions:
NTRK1-related disorder. Also called: NTRK1-related condition.

Allele frequency attached by ClinVar (database versions not stated): 1000 Genomes Project 30x 0.00172; 1000 Genomes Project 0.00180; gnomAD 0.00210; ESP Exome Variant Server 0.00216; TOPMed 0.00241.

Submissions (2):

GeneDx
Classification: Likely benign. Last evaluated: 2017-03-19. Review status: criteria provided, single submitter. Criteria: GeneDx Variant Classification (06012015). Collection method: clinical testing. Allele origin: germline. Affected: yes.
Comment: This variant is considered likely benign or benign based on one or more of the following criteria: it is a conservative change, it occurs at a poorly conserved position in the protein, it is predicted to be benign by multiple in silico algorithms, and/or has population frequency not consistent with disease.

PreventionGenetics, part of Exact Sciences
Classification: Likely benign for NTRK1-related condition. Last evaluated: 2019-10-11. Review status: no assertion criteria provided. Collection method: clinical testing. Allele origin: germline. Not counted in ClinVar's aggregate classification.
Comment: This variant is classified as likely benign based on ACMG/AMP sequence variant interpretation guidelines (Richards et al. 2015 PMID: 25741868, with internal and published modifications).

NM_002529.4(NTRK1):c.*7G>T

Gene: NTRK1 (neurotrophic receptor tyrosine kinase 1; plus strand). Cytogenetic location: 1q23.1.
Variant type: single nucleotide variant.
Coding change: c.*7G>T on transcript NM_002529.4 (MANE Select); 7 bases downstream of the stop codon, G replaced by T.
Molecular consequence: 3 prime UTR variant.
Genome position (GRCh38, 1-based): chr1:156,881,649, G>T. VCF-style: chr1-156881649-G-T. GRCh37 (hg19) VCF-style: chr1-156851441-G-T.
Other names: c.*7G>T (NM_001007792.1, NM_001012331.2, NM_002529.3).
Identifiers: ClinVar variation 387304 (VCV000387304.3), dbSNP rs145060242, ClinGen allele CA1169651.